The following is an entry in ClinVar:

ClinVar aggregate classification (germline): Uncertain significance (1 of 4 stars; one submission).

Allele frequency attached by ClinVar (database versions not stated): TOPMed 0.00001; ExAC 0.00002.

Submission:

Labcorp Genetics (formerly Invitae), Labcorp
Classification: Uncertain significance. Last evaluated: 2024-01-03. Review status: criteria provided, single submitter. Criteria: Invitae Variant Classification Sherloc (09022015). Collection method: clinical testing. Allele origin: germline.
Comment: This sequence change replaces arginine, which is basic and polar, with histidine, which is basic and polar, at codon 211 of the PLVAP protein (p.Arg211His). This variant is present in population databases (rs771476239, gnomAD 0.006%). This variant has not been reported in the literature in individuals affected with PLVAP-related conditions. Advanced modeling of protein sequence and biophysical properties (such as structural, functional, and spatial information, amino acid conservation, physicochemical variation, residue mobility, and thermodynamic stability) has been performed at Invitae for this missense variant, however the output from this modeling did not meet the statistical confidence thresholds required to predict the impact of this variant on PLVAP protein function. In summary, the available evidence is currently insufficient to determine the role of this variant in disease. Therefore, it has been classified as a Variant of Uncertain Significance.

NM_031310.3(PLVAP):c.632G>A (p.Arg211His)

Gene: PLVAP (plasmalemma vesicle associated protein; minus strand). Cytogenetic location: 19p13.11.
Variant type: single nucleotide variant.
Coding change: c.632G>A on transcript NM_031310.3 (MANE Select); coding-DNA position 632, G replaced by A.
Protein change: p.Arg211His; replaces arginine 211 with histidine.
Molecular consequence: missense variant.
Genome position (GRCh38, 1-based): chr19:17,365,833, C>T on the plus strand (G>A on the coding strand, the complement: PLVAP is on the minus strand). VCF-style: chr19-17365833-C-T. GRCh37 (hg19) VCF-style: chr19-17476642-C-T.
Other names: short protein forms R211H.
Identifiers: ClinVar variation 3011852 (VCV003011852.3), dbSNP rs771476239, ClinGen allele CA9293992.
Genomic context (GRCh38, chr19:17,365,833, plus strand): 5'-TCCTTGTCCAGGGGCAGGCAGAGGGCTTGCACCTTTTGCAGTTGCTCCTTGGCCAGCTGG[C>T]GCTCTTGGTGCTGCAGCTCCCGGGTTTTCACGCATTCAACCAGCTGTTCCTCCGCCACGC-3'
Protein context (NP_112600.1, residues 201-221): VKTRELQHQE[Arg211His]QLAKEQLQKV